The following is an entry in ClinVar:

NM_001374385.1(ATP8B1):c.380T>C (p.Leu127Pro)

Gene: ATP8B1 (ATPase phospholipid transporting 8B1; minus strand). Cytogenetic location: 18q21.31.
Variant type: single nucleotide variant.
Coding change: c.380T>C on transcript NM_001374385.1 (MANE Select); coding-DNA position 380, T replaced by C.
Protein change: p.Leu127Pro; replaces leucine 127 with proline.
Molecular consequence: missense variant.
Genome position (GRCh38, 1-based): chr18:57,704,568, A>G on the plus strand (T>C on the coding strand, the complement: ATP8B1 is on the minus strand). VCF-style: chr18-57704568-A-G. GRCh37 (hg19) VCF-style: chr18-55371800-A-G.
Other names: c.230T>C, p.Leu77Pro (NM_001374386.1); c.380T>C, p.Leu127Pro (NM_005603.6); short protein forms L127P, L77P.
Identifiers: ClinVar variation 4846250 (VCV004846250.1).

ClinVar aggregate classification (germline): Likely pathogenic (1 of 4 stars; one submission).

Conditions:
Familial intrahepatic cholestasis. Identifiers: Orphanet 284385, MedGen CN296401, MONDO:0017290.

gnomAD v4.1: 1 of 1,592,680 alleles (0.000063%); highest among the groups gnomAD compares: Non-Finnish European, 0.000086%; no homozygotes.

Submission:

Genomenon, Inc
Classification: Likely pathogenic for Familial intrahepatic cholestasis. Last evaluated: 2026-04-14. Review status: criteria provided, single submitter. Criteria: Genomenon Sequence Variant Interpretation Standards - Updated. Collection method: curation. Allele origin: germline. Affected: yes.
Comment: ATP8B1 p.Leu127Pro (c.380T>C) is a missense variant that changes the amino acid at residue 127 from Leucine to Proline. This variant has been observed in at least one proband with features of ATP8B1-deficiency (PMID:12149765). At least one functional study has demonstrated a substantial alteration in protein function relative to the wild-type (PMID:25315773). It is absent or not present at a significant frequency in gnomAD. In silico models predict that this variant is possibly or probably damaging. In conclusion, we classify ATP8B1 p.Leu127Pro (c.380T>C) as a likely pathogenic variant.

Literature cited by the submitters: PubMed 12149765; PubMed 25315773.